The following is an entry in ClinVar:

ClinVar aggregate classification (germline): Pathogenic/Likely pathogenic. Review status: criteria provided, multiple submitters, no conflicts (2 of 4 stars). 17 submissions from 15 submitters: Pathogenic (11); Likely pathogenic (1). 5 of the submissions do not count toward it. Last evaluated 2024-09-19.

Conditions:
Inborn genetic diseases. Identifiers: MedGen C0950123, MeSH D030342.
Intellectual disability. Also called: Intellectual functioning disability; intellectual disabilities; Intellectual developmental disorder. Identifiers: MedGen C3714756, MeSH D008607, MONDO:0001071, HP:0001249.
Neurodevelopmental disorder with hypotonia, dysmorphic facies, and skeletal anomalies, with or without seizures (NEDFSS). Also called: TRPM3-Related Neurodevelopmental Disorder. Identifiers: MedGen C5830244, MONDO:0859365, OMIM 620224.
Mulibrey nanism syndrome. Also called: MUSCLE-LIVER-BRAIN-EYE NANISM; PERHEENTUPA SYNDROME; PERICARDIAL CONSTRICTION AND GROWTH FAILURE. Identifiers: Orphanet 2576, MedGen C0524582, MONDO:0009664, OMIM 253250.
Birk-Barel syndrome. Also called: MENTAL RETARDATION WITH HYPOTONIA AND FACIAL DYSMORPHISM; KCNK9 Imprinting Syndrome. Identifiers: Orphanet 166108, MedGen C2676770, MONDO:0012856, OMIM 612292.
TRPM3-related disorder. Also called: TRPM3-related condition.
Autosomal dominant non-syndromic intellectual disability. Identifiers: Orphanet 178469, MedGen C5680502, MONDO:0015802.
Global developmental delay (DD). Also called: Cognitive delay. Identifiers: MedGen C0557874, HP:0001263. Disease mechanism: loss of function.
Seizure. Also called: Seizures. Identifiers: MedGen C0036572, HP:0001250.

Submissions 1 to 11 of 17:

Victorian Clinical Genetics Services, Murdoch Childrens Research Institute
Classification: Pathogenic for Neurodevelopmental disorder with hypotonia, dysmorphic facies, and skeletal anomalies, with or without seizures. Last evaluated: 2024-09-19. Review status: criteria provided, single submitter. Criteria: ACMG Guidelines, 2015. Collection method: clinical testing. Allele origin: germline. Inheritance: Autosomal dominant inheritance. Affected: yes.
Comment: Based on the classification scheme VCGS_Germline_v1.3.4, this variant is classified as Pathogenic. Following criteria are met: 0101 - Gain of function is a known mechanism of disease in this gene and is associated with neurodevelopmental disorder with hypotonia, dysmorphic facies, and skeletal anomalies, with or without seizures (MIM# 620224). Missense variants have been functionally proven to increase basal function and intracellular calcium levels (PMID: 32427099). (I) 0107 - This gene is associated with autosomal dominant disease. (I) 0200 - Variant is predicted to result in a missense amino acid change from valine to methionine. (I) 0251 - This variant is heterozygous. (I) 0301 - Variant is absent from gnomAD (both v2 and v3). (SP) 0502 - Missense variant with conflicting in silico predictions and very high conservation. (I) 0600 - Variant is located in the annotated TRPV super family domain (NCBI). (I) 0801 - This variant has strong previous evidence of pathogenicity in unrelated individuals. This variant has been reported as de novo in more than 10 individuals with intellectual disability with or without epilepsy (ClinVar, PMID: 31278393). (SP) 1208 - Inheritance information for this variant is not currently available in this individual. (I) Legend: (SP) - Supporting pathogenic, (I) - Information, (SB) - Supporting benign

Blueprint Genetics
Classification: Pathogenic for TRPM3-related disorders. Last evaluated: 2024-08-26. Review status: criteria provided, single submitter. Criteria: ACMG Guidelines, 2015. Collection method: clinical testing. Allele origin: de novo. Affected: yes. Observed: 2 variant alleles.

Ambry Genetics
Classification: Pathogenic for Inborn genetic diseases. Last evaluated: 2024-01-24. Review status: criteria provided, single submitter. Criteria: Ambry Variant Classification Scheme 2023. Collection method: clinical testing. Allele origin: germline.
Comment: The c.2509G>A (p.V837M) alteration is located in exon 20 (coding exon 18) of the TRPM3 gene. This alteration results from a G to A substitution at nucleotide position 2509, causing the valine (V) at amino acid position 837 to be replaced by a methionine (M). This variant was not reported in population-based cohorts in the Genome Aggregation Database (gnomAD). This variant has been determined to be the result of a de novo mutation in multiple individuals with features consistent with TRPM3-related neurodevelopmental disorder (Dyment, 2019; de Sainte Agathe, 2020; Lines, 2022). This amino acid position is highly conserved in available vertebrate species. The in silico prediction for this alteration is inconclusive. Based on the available evidence, this alteration is classified as pathogenic.

HudsonAlpha Institute for Biotechnology
Classification: Pathogenic for Neurodevelopmental disorder with hypotonia, dysmorphic facies, and skeletal anomalies, with or without seizures. Last evaluated: 2023-05-03. Review status: criteria provided, single submitter. Criteria: ACMG Guidelines, 2015. Collection method: research. Allele origin: de novo. Affected: yes. Observed: 1 variant allele. Study: CSER-HudsonAlpha.

Genetics Laboratory, UDIAT-Centre Diagnòstic, Hospital Universitari Parc Tauli
Classification: Pathogenic for Autosomal dominant non-syndromic intellectual disability. Last evaluated: 2022-10-04. Review status: criteria provided, single submitter. Criteria: Parc Tauli Hospital Assertion Criteria 2021. Collection method: clinical testing. Allele origin: de novo. Inheritance: Autosomal dominant inheritance. Affected: yes.
Comment: PS3;PS4;PM2_supporting;PM6;PP2;PP3

MGZ Medical Genetics Center
Classification: Pathogenic for Birk-Barel syndrome. Last evaluated: 2022-01-18. Review status: criteria provided, single submitter. Criteria: ACMG Guidelines, 2015. Collection method: clinical testing. Allele origin: germline. Affected: yes. Observed: 1 variant allele.
Comment: ACMG criteria applied: PS2_VSTR, PS4_MOD, PM2_SUP, PP2, PP3

Cambridge Genomics Laboratory, East Genomic Laboratory Hub, NHS Genomic Medicine Service
Classification: Pathogenic for Intellectual disability. Last evaluated: 2021-11-17. Review status: criteria provided, single submitter. Criteria: ACGS Best Practice Guidelines for Variant Classification in Rare Disease 2020. Collection method: clinical testing. Allele origin: germline. Affected: yes. Observed: 1 variant allele.

Breakthrough Genomics
Classification: Pathogenic for Neurodevelopmental disorder with hypotonia, dysmorphic facies, and skeletal anomalies, with or without seizures. Last evaluated: 2021-07-25. Review status: criteria provided, single submitter. Criteria: ACMG Guidelines, 2015. Collection method: clinical testing. Allele origin: germline. Affected: yes.
Comment: This variant (also known as V990 in the literature) was previously reported in multiple unrelated individuals with intellectual disability and epilepsy [PMID: 32439617, 31278393, 35146895, 33853504, 32427099]. It has been reported as a gain-of-function mutation, with increased inward cation currents and Ca2+ influx under basal condition or when stimulated with heat or the endogenous neurosteroid pregnenolone sulfate [PMID: 32427099].

CeGaT Center for Human Genetics Tuebingen
Classification: Pathogenic. Last evaluated: 2021-05-01. Review status: criteria provided, single submitter. Criteria: CeGaT Center For Human Genetics Tuebingen Variant Classification Criteria Version 2. Collection method: clinical testing. Allele origin: germline. Affected: yes. Observed: 5 variant alleles.

Cytogénomique, Hospices Civils de Lyon
Classification: Pathogenic for Intellectual disability. Last evaluated: 2020-09-30. Review status: criteria provided, single submitter. Criteria: ACMG Guidelines, 2015. Collection method: clinical testing. Allele origin: de novo. Inheritance: Sporadic. Affected: yes. Observed: 1 variant allele, 1 heterozygote.
Comment: Recurrent variant in the litterature. De novo. 20A2340

Laboratoire de Génétique Moléculaire, CHU Bordeaux
Classification: Likely pathogenic for Intellectual disability. Last evaluated: 2019-07-12. Review status: criteria provided, single submitter. Criteria: ACMG Guidelines, 2015. Collection method: clinical testing. Allele origin: de novo. Inheritance: Autosomal dominant inheritance. Affected: yes. Observed: 1 heterozygote.
Comment: This missense has been reported in 7 individuals as de novo causing variation (deleterious predicted effects + absent from control database) for a new autosomal dominant form of intellectual disability and epilepsy by Dyment et al. 2019, EJHG. The phenotypic concordance with a independent previous description of the same missense along with its in-silico deleterious predicted effect and its absence from controls meet our criteria to be classified as pathogenic.

NM_001366145.2(TRPM3):c.3004G>A (p.Val1002Met)

Gene: TRPM3 (transient receptor potential cation channel subfamily M member 3; minus strand). Cytogenetic location: 9q21.12.
Variant type: single nucleotide variant.
Coding change: c.3004G>A on transcript NM_001366145.2 (MANE Select); coding-DNA position 3004, G replaced by A.
Protein change: p.Val1002Met; replaces valine 1002 with methionine.
Molecular consequence: missense variant.
Genome position (GRCh38, 1-based): chr9:70,598,463, C>T on the plus strand (G>A on the coding strand, the complement: TRPM3 is on the minus strand). VCF-style: chr9-70598463-C-T. GRCh37 (hg19) VCF-style: chr9-73213379-C-T.
Other names: c.2509G>A, p.Val837Met (NM_020952.6); c.2509G>A (NM_020952.5); c.2968G>A, p.Val990Met (NM_001007471.4, NM_001366151.2); c.2974G>A, p.Val992Met (NM_001366141.2, NM_001366143.2, NM_001366149.2); c.3010G>A, p.Val1004Met (NM_001366142.2); c.3004G>A, p.Val1002Met (NM_001366146.2); c.3079G>A, p.Val1027Met (NM_001366147.2, NM_001366152.2); c.3049G>A, p.Val1017Met (NM_001366148.2); and 6 more; short protein forms V837M, V990M, V1002M, V1017M, V827M, V1027M, V849M, V1004M.
Identifiers: ClinVar variation 585073 (VCV000585073.69), dbSNP rs1564493599, ClinGen allele CA373554924.